The following is an entry in ClinVar:

ClinVar aggregate classification (germline): Uncertain significance (1 of 4 stars; one submission).

Conditions:
Facioscapulohumeral muscular dystrophy 2 (FSHD2). Also called: MUSCULAR DYSTROPHY, FACIOSCAPULOHUMERAL, TYPE 1B; FACIOSCAPULOHUMERAL MUSCULAR DYSTROPHY 2, DIGENIC; FSHD2, DIGENIC. Identifiers: Orphanet 269, MedGen C1834671, MONDO:0008031, OMIM 158901.

Submission:

Labcorp Genetics (formerly Invitae), Labcorp
Classification: Uncertain significance for Facioscapulohumeral muscular dystrophy 2. Last evaluated: 2024-07-20. Review status: criteria provided, single submitter. Criteria: Invitae Variant Classification Sherloc (09022015). Collection method: clinical testing. Allele origin: germline.
Comment: This sequence change replaces valine, which is neutral and non-polar, with glycine, which is neutral and non-polar, at codon 1219 of the SMCHD1 protein (p.Val1219Gly). This variant is not present in population databases (gnomAD no frequency). This variant has not been reported in the literature in individuals affected with SMCHD1-related conditions. Advanced modeling of protein sequence and biophysical properties (such as structural, functional, and spatial information, amino acid conservation, physicochemical variation, residue mobility, and thermodynamic stability) performed at Invitae indicates that this missense variant is not expected to disrupt SMCHD1 protein function with a negative predictive value of 80%. In summary, the available evidence is currently insufficient to determine the role of this variant in disease. Therefore, it has been classified as a Variant of Uncertain Significance.

NM_015295.3(SMCHD1):c.3656T>G (p.Val1219Gly)

Gene: SMCHD1 (structural maintenance of chromosomes flexible hinge domain containing 1; plus strand). Cytogenetic location: 18p11.32.
Variant type: single nucleotide variant.
Coding change: c.3656T>G on transcript NM_015295.3 (MANE Select); coding-DNA position 3656, T replaced by G.
Protein change: p.Val1219Gly; replaces valine 1219 with glycine.
Molecular consequence: missense variant.
Genome position (GRCh38, 1-based): chr18:2,743,783, T>G. VCF-style: chr18-2743783-T-G. GRCh37 (hg19) VCF-style: chr18-2743781-T-G.
Other names: short protein forms V1219G.
Identifiers: ClinVar variation 3654582 (VCV003654582.2).